The following is an entry in ClinVar:

ClinVar aggregate classification (germline): Uncertain significance (1 of 4 stars; one submission).

Submission:

GeneDx
Classification: Uncertain significance. Last evaluated: 2024-12-18. Review status: criteria provided, single submitter. Criteria: GeneDx Variant Classification Process June 2021. Collection method: clinical testing. Allele origin: germline. Affected: yes.
Comment: Not observed at significant frequency in large population cohorts (gnomAD); In silico analysis indicates that this missense variant does not alter protein structure/function; Has not been previously published as pathogenic or benign to our knowledge

NM_001378454.1(ALMS1):c.5093A>G (p.Asp1698Gly)

Gene: ALMS1 (ALMS1 centrosome and basal body associated protein; plus strand). Cytogenetic location: 2p13.1.
Variant type: single nucleotide variant.
Coding change: c.5093A>G on transcript NM_001378454.1 (MANE Select); coding-DNA position 5093, A replaced by G.
Protein change: p.Asp1698Gly; replaces aspartic acid 1698 with glycine.
Molecular consequence: missense variant.
Genome position (GRCh38, 1-based): chr2:73,451,620, A>G. VCF-style: chr2-73451620-A-G. GRCh37 (hg19) VCF-style: chr2-73678747-A-G.
Other names: c.5096A>G, p.Asp1699Gly (NM_015120.4); short protein forms D1698G, D1699G.
Identifiers: ClinVar variation 3906627 (VCV003906627.1).